The following is an entry in ClinVar:

NM_024741.3(ZNF408):c.146G>A (p.Arg49Gln)

Gene: ZNF408 (zinc finger protein 408; plus strand). Cytogenetic location: 11p11.2.
Variant type: single nucleotide variant.
Coding change: c.146G>A on transcript NM_024741.3 (MANE Select); coding-DNA position 146, G replaced by A.
Protein change: p.Arg49Gln; replaces arginine 49 with glutamine.
Molecular consequence: missense variant.
Genome position (GRCh38, 1-based): chr11:46,701,492, G>A. VCF-style: chr11-46701492-G-A. GRCh37 (hg19) VCF-style: chr11-46723042-G-A.
Other names: c.122G>A, p.Arg41Gln (NM_001184751.2); short protein forms R41Q, R49Q.
Identifiers: ClinVar variation 2828134 (VCV002828134.3), dbSNP rs2502784371, ClinGen allele CA380251606.
Genomic context (GRCh38, chr11:46,701,492, plus strand): 5'-GGAACCCTTCCGGAGAAGGCTGTACGCAGGGCCTCAAAGACGTCCCACCCGAGCCGACCC[G>A]AGACATCCTCGCTTTAAAGAGCCTTCCCCGGGGCTTGGCCCTTGGCCCCTCACTCGCCAA-3'
Protein context (NP_079017.1, residues 39-59): GLKDVPPEPT[Arg49Gln]DILALKSLPR

ClinVar aggregate classification (germline): Uncertain significance (1 of 4 stars; one submission).

Submission:

Labcorp Genetics (formerly Invitae), Labcorp
Classification: Uncertain significance. Last evaluated: 2023-02-08. Review status: criteria provided, single submitter. Criteria: Invitae Variant Classification Sherloc (09022015). Collection method: clinical testing. Allele origin: germline.
Comment: In summary, the available evidence is currently insufficient to determine the role of this variant in disease. Therefore, it has been classified as a Variant of Uncertain Significance. Algorithms developed to predict the effect of missense changes on protein structure and function (SIFT, PolyPhen-2, Align-GVGD) all suggest that this variant is likely to be tolerated. This variant has not been reported in the literature in individuals affected with ZNF408-related conditions. This variant is not present in population databases (gnomAD no frequency). This sequence change replaces arginine, which is basic and polar, with glutamine, which is neutral and polar, at codon 49 of the ZNF408 protein (p.Arg49Gln).